The following is an entry in ClinVar:

NM_001379270.1(CNGA1):c.1617C>G (p.Tyr539Ter)

Genes: CNGA1 (cyclic nucleotide gated channel subunit alpha 1; minus strand), LOC101927157 (uncharacterized LOC101927157; plus strand). Cytogenetic location: 4p12.
Variant type: single nucleotide variant.
Coding change: c.1617C>G on transcript NM_001379270.1 (MANE Select); coding-DNA position 1617, C replaced by G.
Protein change: p.Tyr539Ter; replaces tyrosine 539 with a stop codon.
Molecular consequence: nonsense.
Genome position (GRCh38, 1-based): chr4:47,936,865, G>C on the plus strand (C>G on the coding strand, the complement: CNGA1 is on the minus strand). VCF-style: chr4-47936865-G-C. GRCh37 (hg19) VCF-style: chr4-47938882-G-C.
Other names: c.1617C>G, p.Tyr539Ter (NM_000087.5, NM_001142564.2); short protein forms Y539*.
Identifiers: ClinVar variation 597536 (VCV000597536.8), dbSNP rs1560616550, ClinGen allele CA356824877.

ClinVar aggregate classification (germline): Pathogenic/Likely pathogenic. Review status: criteria provided, multiple submitters, no conflicts (2 of 4 stars). 2 submissions from 2 submitters: Pathogenic (1); Likely pathogenic (1). Last evaluated 2025-04-16.

Submissions (2):

Labcorp Genetics (formerly Invitae), Labcorp
Classification: Pathogenic. Last evaluated: 2025-04-16. Review status: criteria provided, single submitter. Criteria: Invitae Variant Classification Sherloc (09022015). Collection method: clinical testing. Allele origin: germline.
Comment: This sequence change creates a premature translational stop signal (p.Tyr543*) in the CNGA1 gene. While this is not anticipated to result in nonsense mediated decay, it is expected to disrupt the last 148 amino acid(s) of the CNGA1 protein. This variant is not present in population databases (gnomAD no frequency). This variant has not been reported in the literature in individuals affected with CNGA1-related conditions. ClinVar contains an entry for this variant (Variation ID: 597536). This variant disrupts a region of the CNGA1 protein in which other variant(s) (p.Arg658Aspfs*2) have been determined to be pathogenic (PMID: 7479749, 24265693). This suggests that this is a clinically significant region of the protein, and that variants that disrupt it are likely to be disease-causing. For these reasons, this variant has been classified as Pathogenic.

Eurofins Ntd Llc (ga)
Classification: Likely pathogenic. Last evaluated: 2018-06-06. Review status: criteria provided, single submitter. Criteria: EGL ClinVar v180209 classification definitions. Collection method: clinical testing. Allele origin: germline. Observed: 1 variant allele, 1 heterozygote.

Literature cited by the submitters: PubMed 7479749 (cited by Labcorp Genetics (formerly Invitae), Labcorp); PubMed 24265693 (cited by Labcorp Genetics (formerly Invitae), Labcorp).